The following is an entry in ClinVar:

ClinVar aggregate classification (germline): Uncertain significance (1 of 4 stars; one submission).

Conditions:
Combined immunodeficiency due to LRBA deficiency. Also called: Common variable immunodeficiency 8, with autoimmunity. Identifiers: Orphanet 445018, MedGen C3553512, MONDO:0013863, OMIM 614700.

Allele frequency attached by ClinVar (database versions not stated): gnomAD exomes below 0.00001.
gnomAD v4.1: 2 of 1,613,824 alleles (0.00012%); highest among the groups gnomAD compares: South Asian, 0.0011%; no homozygotes.

Submission:

Labcorp Genetics (formerly Invitae), Labcorp
Classification: Uncertain significance for Combined immunodeficiency due to LRBA deficiency. Last evaluated: 2019-04-23. Review status: criteria provided, single submitter. Criteria: Invitae Variant Classification Sherloc (09022015). Collection method: clinical testing. Allele origin: germline.
Comment: This variant is not present in population databases (ExAC no frequency). This variant has not been reported in the literature in individuals with LRBA-related conditions. Algorithms developed to predict the effect of missense changes on protein structure and function are either unavailable or do not agree on the potential impact of this missense change (SIFT: "Tolerated"; PolyPhen-2: "Probably Damaging"; Align-GVGD: "Class C0"). In summary, the available evidence is currently insufficient to determine the role of this variant in disease. Therefore, it has been classified as a Variant of Uncertain Significance. This sequence change replaces tyrosine with cysteine at codon 265 of the LRBA protein (p.Tyr265Cys). The tyrosine residue is moderately conserved and there is a large physicochemical difference between tyrosine and cysteine.

NM_001364905.1(LRBA):c.794A>G (p.Tyr265Cys)

Gene: LRBA (LPS responsive beige-like anchor protein; minus strand). Cytogenetic location: 4q31.3.
Variant type: single nucleotide variant.
Coding change: c.794A>G on transcript NM_001364905.1 (MANE Select); coding-DNA position 794, A replaced by G.
Protein change: p.Tyr265Cys; replaces tyrosine 265 with cysteine.
Molecular consequence: missense variant.
Genome position (GRCh38, 1-based): chr4:150,916,501, T>C on the plus strand (A>G on the coding strand, the complement: LRBA is on the minus strand). VCF-style: chr4-150916501-T-C. GRCh37 (hg19) VCF-style: chr4-151837653-T-C.
Other names: c.794A>G, p.Tyr265Cys (NM_001199282.3, NM_001367550.1, NM_006726.5); short protein forms Y265C.
Identifiers: ClinVar variation 841245 (VCV000841245.9), dbSNP rs1732602932, ClinGen allele CA358436324.